The following is an entry in ClinVar:

ClinVar aggregate classification (germline): other (0 of 4 stars; one submission).

Conditions:
Familial colorectal cancer. Identifiers: MedGen CN280943, MONDO:0023113. Disease mechanism: loss of function.

Submission:

Systems Biology Platform Zhejiang California International NanoSystems Institute
Classification: other for Familial colorectal cancer. Review status: no assertion criteria provided. Collection method: not provided. Allele origin: unknown.
ClinVar note: Converted during submission from cancer to other.

NC_000005.10:g.112851101G>A

Variant type: single nucleotide variant.
Genome position: GRCh38 VCF-style: chr5-112851101-G-A. GRCh37 (hg19) VCF-style: chr5-112186798-G-A.
Identifiers: ClinVar variation 82693 (VCV000082693.3), dbSNP rs74730119, ClinGen allele CA250833.